The following is an entry in ClinVar:

ClinVar aggregate classification (germline): Uncertain significance. Review status: criteria provided, single submitter (1 of 4 stars). 2 submissions from 2 submitters: Uncertain significance (1). 1 of the submissions does not count toward it. Last evaluated 2022-06-19.

Conditions:
Glycogen storage disease, type II (IOPD). Also called: Glycogen storage disease type 2; Acid maltase deficiency disease; Aglucosidase alfa; Deficiency of alpha-glucosidase; Deficiency of lysosomal alpha-glucosidase; ACID MALTASE DEFICIENCY, INFANTILE-ONSET. Identifiers: Orphanet 365, MedGen C0017921, MONDO:0009290, OMIM 232300.

Allele frequency attached by ClinVar (database versions not stated): gnomAD 0.00002; TOPMed 0.00005.

Submissions (2):

Labcorp Genetics (formerly Invitae), Labcorp
Classification: Uncertain significance for Glycogen storage disease, type II. Last evaluated: 2022-06-19. Review status: criteria provided, single submitter. Criteria: Invitae Variant Classification Sherloc (09022015). Collection method: clinical testing. Allele origin: germline.
Comment: This sequence change replaces alanine, which is neutral and non-polar, with valine, which is neutral and non-polar, at codon 300 of the GAA protein (p.Ala300Val). This variant is not present in population databases (gnomAD no frequency). This variant has not been reported in the literature in individuals affected with GAA-related conditions. ClinVar contains an entry for this variant (Variation ID: 949278). Advanced modeling of protein sequence and biophysical properties (such as structural, functional, and spatial information, amino acid conservation, physicochemical variation, residue mobility, and thermodynamic stability) performed at Invitae indicates that this missense variant is not expected to disrupt GAA protein function. In summary, the available evidence is currently insufficient to determine the role of this variant in disease. Therefore, it has been classified as a Variant of Uncertain Significance.

Natera, Inc.
Classification: Uncertain significance for Glycogen storage disease type II. Last evaluated: 2020-02-26. Review status: no assertion criteria provided. Collection method: clinical testing. Allele origin: germline. Not counted in ClinVar's aggregate classification.

NM_000152.5(GAA):c.899C>T (p.Ala300Val)

Gene: GAA (alpha glucosidase; plus strand). Cytogenetic location: 17q25.3.
Variant type: single nucleotide variant.
Coding change: c.899C>T on transcript NM_000152.5 (MANE Select); coding-DNA position 899, C replaced by T.
Protein change: p.Ala300Val; replaces alanine 300 with valine.
Molecular consequence: missense variant.
Genome position (GRCh38, 1-based): chr17:80,107,840, C>T. VCF-style: chr17-80107840-C-T. GRCh37 (hg19) VCF-style: chr17-78081639-C-T.
Other names: c.899C>T, p.Ala300Val (NM_001079803.3, NM_001079804.3); short protein forms A300V.
Identifiers: ClinVar variation 949278 (VCV000949278.8), dbSNP rs1032949450, ClinGen allele CA294889969.